The following is an entry in ClinVar:

ClinVar aggregate classification (germline): Uncertain significance. Review status: criteria provided, multiple submitters, no conflicts (2 of 4 stars). 2 submissions from 2 submitters: Uncertain significance (2). Last evaluated 2024-11-11.

Conditions:
Arrhythmogenic right ventricular dysplasia 13. Also called: Arrhythmogenic right ventricular dysplasia, familial, 13; ARRHYTHMOGENIC RIGHT VENTRICULAR CARDIOMYOPATHY 13. Identifiers: MedGen C3810138, MONDO:0000908, OMIM 615616.

Allele frequency attached by ClinVar (database versions not stated): gnomAD exomes below 0.00001.
gnomAD v4.1: 5 of 1,610,912 alleles (0.00031%); highest among the groups gnomAD compares: Middle Eastern, 0.017%; no homozygotes.

Submissions (2):

Labcorp Genetics (formerly Invitae), Labcorp
Classification: Uncertain significance for Arrhythmogenic right ventricular dysplasia 13. Last evaluated: 2024-11-11. Review status: criteria provided, single submitter. Criteria: Invitae Variant Classification Sherloc (09022015). Collection method: clinical testing. Allele origin: germline.
Comment: This sequence change affects a donor splice site in intron 6 of the CTNNA3 gene. It is expected to disrupt RNA splicing. Variants that disrupt the donor or acceptor splice site typically lead to a loss of protein function (PMID: 16199547), however the current clinical and genetic evidence is not sufficient to establish whether loss-of-function variants in CTNNA3 cause disease. This variant is present in population databases (no rsID available, gnomAD no frequency). Disruption of this splice site has been observed in individual(s) with clinical features of CTNNA3-related conditions (PMID: 29544605). ClinVar contains an entry for this variant (Variation ID: 577724). Algorithms developed to predict the effect of sequence changes on RNA splicing suggest that this variant may disrupt the consensus splice site. In summary, the available evidence is currently insufficient to determine the role of this variant in disease. Therefore, it has been classified as a Variant of Uncertain Significance.

Blueprint Genetics
Classification: Uncertain significance. Last evaluated: 2024-09-24. Review status: criteria provided, single submitter. Criteria: ACMG Guidelines, 2015. Collection method: clinical testing. Allele origin: germline.

Literature cited by the submitters: PubMed 16199547 (cited by Labcorp Genetics (formerly Invitae), Labcorp); PubMed 29544605 (cited by Labcorp Genetics (formerly Invitae), Labcorp).

NM_013266.4(CTNNA3):c.843+1G>T

Gene: CTNNA3 (catenin alpha 3; minus strand). Cytogenetic location: 10q21.3.
Variant type: single nucleotide variant.
Coding change: c.843+1G>T on transcript NM_013266.4 (MANE Select); the canonical splice donor site of the intron after coding-DNA position 843, G replaced by T.
Molecular consequence: splice donor variant.
Genome position (GRCh38, 1-based): chr10:67,219,606, C>A on the plus strand (G>T on the coding strand, the complement: CTNNA3 is on the minus strand). VCF-style: chr10-67219606-C-A. GRCh37 (hg19) VCF-style: chr10-68979364-C-A.
Other names: c.843+1G>T (NM_001127384.3); c.879+1G>T (NM_001291133.2).
Identifiers: ClinVar variation 577724 (VCV000577724.8), dbSNP rs1256726247, ClinGen allele CA377097135.